The following is an entry in ClinVar:

ClinVar aggregate classification (germline): Benign (1 of 4 stars; one submission).

Allele frequency attached by ClinVar (database versions not stated): TOPMed 0.43978; gnomAD 0.42686 and 0.42932; 1000 Genomes Project 0.48522; 1000 Genomes Project 30x 0.48610.

Submission:

GeneDx
Classification: Benign. Last evaluated: 2018-06-18. Review status: criteria provided, single submitter. Criteria: GeneDx Variant Classification (06012015). Collection method: clinical testing. Allele origin: germline. Affected: yes.
Comment: This variant is considered likely benign or benign based on one or more of the following criteria: it is a conservative change, it occurs at a poorly conserved position in the protein, it is predicted to be benign by multiple in silico algorithms, and/or has population frequency not consistent with disease.

NM_004281.3(BAG3):c.-518C>T

Gene: BAG3 (BAG cochaperone 3; plus strand). Cytogenetic location: 10q26.11.
Variant type: single nucleotide variant.
Coding change: c.-518C>T on transcript NM_004281.3; 518 bases upstream of the start codon, C replaced by T.
Genome position (GRCh38, 1-based): chr10:119,651,158, C>T. VCF-style: chr10-119651158-C-T. GRCh37 (hg19) VCF-style: chr10-121410670-C-T.
Identifiers: ClinVar variation 671234 (VCV000671234.3), dbSNP rs11199059, ClinGen allele CA13171208.